The following is an entry in ClinVar:

ClinVar aggregate classification (germline): Benign. Review status: criteria provided, multiple submitters, no conflicts (2 of 4 stars). 3 submissions from 3 submitters: Benign (3). Last evaluated 2023-01-01.

Allele frequency attached by ClinVar (database versions not stated): ESP Exome Variant Server 0.00024; gnomAD 0.00059 and 0.00096; TOPMed 0.00074; 1000 Genomes Project 0.00200; 1000 Genomes Project 30x 0.00234.

Submissions (3):

CeGaT Center for Human Genetics Tuebingen
Classification: Benign. Last evaluated: 2023-01-01. Review status: criteria provided, single submitter. Criteria: CeGaT Center For Human Genetics Tuebingen Variant Classification Criteria Version 2. Collection method: clinical testing. Allele origin: germline. Affected: yes. Observed: 1 variant allele.
Comment: GPBAR1: BP4, BP7, BS1, BS2

Labcorp Genetics (formerly Invitae), Labcorp
Classification: Benign. Last evaluated: 2018-11-09. Review status: criteria provided, single submitter. Criteria: Invitae Variant Classification Sherloc (09022015). Collection method: clinical testing. Allele origin: germline.

Breakthrough Genomics
Classification: Benign. Review status: criteria provided, single submitter. Criteria: ACMG Guidelines, 2015. Collection method: not provided. Allele origin: germline. Inheritance: Unknown mechanism. Affected: yes.

NM_170699.3(GPBAR1):c.21C>G (p.Gly7=)

Gene: GPBAR1 (G protein-coupled bile acid receptor 1; plus strand). Cytogenetic location: 2q35.
Variant type: single nucleotide variant.
Coding change: c.21C>G on transcript NM_170699.3 (MANE Select); coding-DNA position 21, C replaced by G.
Protein change: p.Gly7=; no amino-acid change (glycine 7 retained).
Molecular consequence: synonymous variant.
Genome position (GRCh38, 1-based): chr2:218,262,745, C>G. VCF-style: chr2-218262745-C-G. GRCh37 (hg19) VCF-style: chr2-219127468-C-G.
Other names: c.21C>G, p.Gly7= (NM_001077191.2, NM_001077194.2, NM_001321950.2).
Identifiers: ClinVar variation 727294 (VCV000727294.28), dbSNP rs201145373, ClinGen allele CA2102490.